The following is an entry in ClinVar:

ClinVar aggregate classification (germline): Uncertain significance. Review status: criteria provided, multiple submitters, no conflicts (2 of 4 stars). 2 submissions from 2 submitters: Uncertain significance (2). Last evaluated 2025-08-06.

Conditions:
Inborn genetic diseases. Identifiers: MedGen C0950123, MeSH D030342.
Bethlem myopathy 1A. Also called: MYOPATHY, BENIGN CONGENITAL, WITH CONTRACTURES; Bethlem Muscular Dystrophy; Bethlem myopathy 1. Identifiers: Orphanet 610, MedGen CN029274, MONDO:0024530, OMIM 158810.

Allele frequency attached by ClinVar (database versions not stated): gnomAD exomes below 0.00001.
gnomAD v4.1: 1 of 1,548,558 alleles (0.000065%); highest among the groups gnomAD compares: Non-Finnish European, 0.000087%; no homozygotes.

Submissions (2):

Labcorp Genetics (formerly Invitae), Labcorp
Classification: Uncertain significance for Bethlem myopathy 1A. Last evaluated: 2025-08-06. Review status: criteria provided, single submitter. Criteria: Invitae Variant Classification Sherloc (09022015). Collection method: clinical testing. Allele origin: germline.
Comment: This sequence change replaces isoleucine, which is neutral and non-polar, with valine, which is neutral and non-polar, at codon 191 of the COL6A1 protein (p.Ile191Val). This variant is not present in population databases (gnomAD no frequency). This variant has not been reported in the literature in individuals affected with COL6A1-related conditions. ClinVar contains an entry for this variant (Variation ID: 1364046). Invitae Evidence Modeling of protein sequence and biophysical properties (such as structural, functional, and spatial information, amino acid conservation, physicochemical variation, residue mobility, and thermodynamic stability) indicates that this missense variant is not expected to disrupt COL6A1 protein function with a negative predictive value of 95%. In summary, the available evidence is currently insufficient to determine the role of this variant in disease. Therefore, it has been classified as a Variant of Uncertain Significance.

Ambry Genetics
Classification: Uncertain significance for Inborn genetic diseases. Last evaluated: 2025-03-22. Review status: criteria provided, single submitter. Criteria: Ambry Variant Classification Scheme 2023. Collection method: clinical testing. Allele origin: germline.

NM_001848.3(COL6A1):c.571A>G (p.Ile191Val)

Gene: COL6A1 (collagen type VI alpha 1 chain; plus strand). Cytogenetic location: 21q22.3.
Variant type: single nucleotide variant.
Coding change: c.571A>G on transcript NM_001848.3 (MANE Select); coding-DNA position 571, A replaced by G.
Protein change: p.Ile191Val; replaces isoleucine 191 with valine.
Molecular consequence: missense variant.
Genome position (GRCh38, 1-based): chr21:45,986,668, A>G. VCF-style: chr21-45986668-A-G. GRCh37 (hg19) VCF-style: chr21-47406582-A-G.
Other names: c.571A>G (NM_001848.2); short protein forms I191V.
Identifiers: ClinVar variation 1364046 (VCV001364046.9), dbSNP rs1273238821, ClinGen allele CA410518247.